The following is an entry in ClinVar:

ClinVar aggregate classification (germline): Uncertain significance (1 of 4 stars; one submission).

Conditions:
Epileptic encephalopathy. Identifiers: MedGen C0543888, HP:0200134.

Allele frequency attached by ClinVar (database versions not stated): TOPMed below 0.00001.
gnomAD v4.1: 3 of 1,614,118 alleles (0.00019%); highest among the groups gnomAD compares: Non-Finnish European, 0.00025%; no homozygotes.

Submission:

Labcorp Genetics (formerly Invitae), Labcorp
Classification: Uncertain significance for Epileptic encephalopathy. Last evaluated: 2025-04-14. Review status: criteria provided, single submitter. Criteria: Invitae Variant Classification Sherloc (09022015). Collection method: clinical testing. Allele origin: germline.
Comment: This sequence change replaces arginine, which is basic and polar, with leucine, which is neutral and non-polar, at codon 197 of the GABBR2 protein (p.Arg197Leu). This variant is not present in population databases (gnomAD no frequency). This variant has not been reported in the literature in individuals affected with GABBR2-related conditions. ClinVar contains an entry for this variant (Variation ID: 2803969). Invitae Evidence Modeling of protein sequence and biophysical properties (such as structural, functional, and spatial information, amino acid conservation, physicochemical variation, residue mobility, and thermodynamic stability) indicates that this missense variant is expected to disrupt GABBR2 protein function with a positive predictive value of 80%. In summary, the available evidence is currently insufficient to determine the role of this variant in disease. Therefore, it has been classified as a Variant of Uncertain Significance.

NM_005458.8(GABBR2):c.590G>T (p.Arg197Leu)

Gene: GABBR2 (gamma-aminobutyric acid type B receptor subunit 2; minus strand). Cytogenetic location: 9q22.33.
Variant type: single nucleotide variant.
Coding change: c.590G>T on transcript NM_005458.8 (MANE Select); coding-DNA position 590, G replaced by T.
Protein change: p.Arg197Leu; replaces arginine 197 with leucine.
Molecular consequence: missense variant.
Genome position (GRCh38, 1-based): chr9:98,541,913, C>A on the plus strand (G>T on the coding strand, the complement: GABBR2 is on the minus strand). VCF-style: chr9-98541913-C-A. GRCh37 (hg19) VCF-style: chr9-101304195-C-A.
Other names: short protein forms R197L.
Identifiers: ClinVar variation 2803969 (VCV002803969.3), dbSNP rs1214384447, ClinGen allele CA374350915.